The following is an entry in ClinVar:

NM_001625.4(AK2):c.556C>T (p.Arg186Cys)

Gene: AK2 (adenylate kinase 2; minus strand). Cytogenetic location: 1p35.1.
Variant type: single nucleotide variant.
Coding change: c.556C>T on transcript NM_001625.4 (MANE Select); coding-DNA position 556, C replaced by T.
Protein change: p.Arg186Cys; replaces arginine 186 with cysteine.
Molecular consequence: missense variant. On other transcripts: 3 prime UTR variant (1), non-coding transcript variant (1).
Genome position (GRCh38, 1-based): chr1:33,013,345, G>A on the plus strand (C>T on the coding strand, the complement: AK2 is on the minus strand). VCF-style: chr1-33013345-G-A. GRCh37 (hg19) VCF-style: chr1-33478946-G-A.
Other names: c.532C>T, p.Arg178Cys (NM_001199199.3); c.412C>T, p.Arg138Cys (NM_001319139.3, NM_001319140.2); c.556C>T, p.Arg186Cys (NM_001319141.3, NM_013411.5); c.430C>T, p.Arg144Cys (NM_001319142.3); c.*59C>T (NM_001319143.2); short protein forms R186C, R144C, R178C, R138C.
Identifiers: ClinVar variation 18258 (VCV000018258.4), dbSNP rs267606645, ClinGen allele CA128000.

ClinVar aggregate classification (germline): Likely pathogenic. Review status: criteria provided, single submitter (1 of 4 stars). 2 submissions from 2 submitters: Likely pathogenic (1). 1 of the submissions does not count toward it. Last evaluated 2025-02-24.

Conditions:
Severe combined immunodeficiency disease. Also called: Severe combined immunodeficiency; Severe Combined Immune Deficiency. Identifiers: Orphanet 183660, MedGen C0085110, MeSH D016511, MONDO:0015974, HP:0004430. Inheritance: X-Linked or Autosomal recessive.
Reticular dysgenesis. Also called: ALEUKOCYTOSIS; CONGENITAL ALEUKIA; HEMATOPOIETIC HYPOPLASIA, GENERALIZED; RETICULAR DYSGENESIA; SEVERE COMBINED IMMUNODEFICIENCY WITH LEUKOPENIA; DeVaal disease. Identifiers: Orphanet 33355, MedGen C0272167, MONDO:0009973, OMIM 267500.

Allele frequency attached by ClinVar (database versions not stated): ExAC 0.00002; TOPMed 0.00003; gnomAD 0.00003; gnomAD exomes 0.00002 and 0.00005.
gnomAD v4.1: 71 of 1,613,962 alleles (0.0044%); highest among the groups gnomAD compares: African/African-American, 0.0067%; no homozygotes.

Submissions (2):

Women's Health and Genetics/Laboratory Corporation of America, LabCorp
Classification: Likely pathogenic for Severe combined immunodeficiency disease. Last evaluated: 2025-02-24. Review status: criteria provided, single submitter. Criteria: LabCorp Variant Classification Summary - May 2015. Collection method: clinical testing. Allele origin: germline.
Comment: Variant summary: AK2 c.556C>T (p.Arg186Cys) results in a non-conservative amino acid change in the encoded protein sequence. Four of five in-silico tools predict a damaging effect of the variant on protein function. The variant allele was found at a frequency of 1.6e-05 in 251468 control chromosomes (gnomAD). c.556C>T has been reported in the literature in a homozygous and a compound heterozygous child (who carried exon 2 deletion in trans), both affected with reticular dysgenesis (Lagresle-Peyrou_2009, Hoenig_2017). In addition, the Arg186 amino acid is evolutionarily highly conserved, and occurs in an evolutionarily constrained region (Hoenig_2017, PMID 29358731). These data indicate that the variant is likely associated with disease. To our knowledge, no experimental evidence demonstrating an impact on protein function has been reported. The following publications have been ascertained in the context of this evaluation (PMID: 28331055, 29270983, 19043416, 26229552). ClinVar contains an entry for this variant (Variation ID: 18258). Based on the evidence outlined above, the variant was classified as likely pathogenic.

OMIM
Classification: Pathogenic for RETICULAR DYSGENESIS. Last evaluated: 2009-01-01. Review status: no assertion criteria provided. Collection method: literature only. Allele origin: germline. Not counted in ClinVar's aggregate classification.

Literature cited by the submitters: PubMed 28331055 (cited by Women's Health and Genetics/Laboratory Corporation of America, LabCorp); PubMed 29270983 (cited by Women's Health and Genetics/Laboratory Corporation of America, LabCorp); PubMed 19043416 (cited by Women's Health and Genetics/Laboratory Corporation of America, LabCorp and OMIM); PubMed 26229552 (cited by Women's Health and Genetics/Laboratory Corporation of America, LabCorp).